The following is an entry in ClinVar:

NM_006950.3(SYN1):c.128C>T (p.Thr43Met)

Gene: SYN1 (synapsin I; minus strand). Cytogenetic location: Xp11.23.
Variant type: single nucleotide variant.
Coding change: c.128C>T on transcript NM_006950.3 (MANE Select); coding-DNA position 128, C replaced by T.
Protein change: p.Thr43Met; replaces threonine 43 with methionine.
Molecular consequence: missense variant.
Genome position (GRCh38, 1-based): chrX:47,619,601, G>A on the plus strand (C>T on the coding strand, the complement: SYN1 is on the minus strand). VCF-style: chrX-47619601-G-A. GRCh37 (hg19) VCF-style: chrX-47479000-G-A.
Other names: c.128C>T, p.Thr43Met (NM_133499.2); short protein forms T43M.
Identifiers: ClinVar variation 3765703 (VCV003765703.1).
Genomic context (GRCh38, chrX:47,619,601, plus strand): 5'-GGAGAGGCCGCTGGGGCGACCCCGGAGGACCTCTCGGCAGTGGCGGTCCCGGGACCGGGC[G>A]TGGCTCCGGGGCTGTGGGCACCGGGCGGCGGTGGGGGCGGCTGCGGACGCTGCAGGTCTG-3'
Protein context (NP_008881.2, residues 33-53): PPPGAHSPGA[Thr43Met]PGPGTATAER

ClinVar aggregate classification (germline): Uncertain significance (1 of 4 stars; one submission).

gnomAD v4.1: 3 of 1,159,641 alleles (0.00026%); highest among the groups gnomAD compares: Non-Finnish European, 0.00035%; no homozygotes.

Submission:

Greenwood Genetic Center Diagnostic Laboratories, Greenwood Genetic Center
Classification: Uncertain significance. Last evaluated: 2024-10-14. Review status: criteria provided, single submitter. Criteria: ACMG Guidelines, 2015. Collection method: clinical testing. Allele origin: germline. Affected: yes.
Comment: PM2, BP4